The following is an entry in ClinVar:

ClinVar aggregate classification (germline): Benign/Likely benign. Review status: criteria provided, multiple submitters, no conflicts (2 of 4 stars). 6 submissions from 6 submitters: Benign (4); Likely benign (2). Last evaluated 2026-01-19.

Conditions:
Autosomal recessive nonsyndromic hearing loss 30. Identifiers: Orphanet 90636, MedGen C1846784, MONDO:0011774, OMIM 607101.

Allele frequency attached by ClinVar (database versions not stated): gnomAD exomes 0.00126 and 0.00316; ExAC 0.00394; 1000 Genomes Project 0.01198; gnomAD 0.01228 and 0.01332; 1000 Genomes Project 30x 0.01249; TOPMed 0.01444; ESP Exome Variant Server 0.01445.
gnomAD v4.1: 3,783 of 1,611,400 alleles (0.23%); highest among the groups gnomAD compares: African/African-American, 4.5%; 91 homozygotes.

Submissions (6):

Labcorp Genetics (formerly Invitae), Labcorp
Classification: Benign. Last evaluated: 2026-01-19. Review status: criteria provided, single submitter. Criteria: Invitae Variant Classification Sherloc (09022015). Collection method: clinical testing. Allele origin: germline.

GeneDx
Classification: Benign. Last evaluated: 2018-01-12. Review status: criteria provided, single submitter. Criteria: GeneDx Variant Classification (06012015). Collection method: clinical testing. Allele origin: germline. Affected: yes.
Comment: This variant is considered likely benign or benign based on one or more of the following criteria: it is a conservative change, it occurs at a poorly conserved position in the protein, it is predicted to be benign by multiple in silico algorithms, and/or has population frequency not consistent with disease.

Illumina Laboratory Services, Illumina
Classification: Likely benign for Autosomal recessive nonsyndromic hearing loss 30. Last evaluated: 2018-01-12. Review status: criteria provided, single submitter. Criteria: ICSL Variant Classification Criteria 13 December 2019. Collection method: clinical testing. Allele origin: germline.
Comment: This variant was observed in the ICSL laboratory as part of a predisposition screen in an ostensibly healthy population. It had not been previously curated by ICSL or reported in the Human Gene Mutation Database (HGMD: prior to June 1st, 2018), and was therefore a candidate for classification through an automated scoring system. Utilizing variant allele frequency, disease prevalence and penetrance estimates, and inheritance mode, an automated score was calculated to assess if this variant is too frequent to cause the disease. Based on the score and internal cut-off values, a variant classified as likely benign is not then subjected to further curation. The score for this variant resulted in a classification of likely benign for this disease.

Laboratory for Molecular Medicine, Mass General Brigham Personalized Medicine
Classification: Benign. Last evaluated: 2012-05-07. Review status: criteria provided, single submitter. Criteria: LMM Criteria. Collection method: clinical testing. Allele origin: germline. Observed: 13 variant alleles.
Comment: "Lys1445Lys in Exon 31 of MYO3A: This variant is not expected to have clinical s ignificance because it does not alter an amino acid residue, is not located with in the splice consensus sequence, and has been identified in 4.1% (155/3738) of African American chromosomes from a broad population by the NHLBI Exome Sequenci ng Project (dbSNP rs34615182)."

Breakthrough Genomics
Classification: Likely benign. Review status: criteria provided, single submitter. Criteria: ACMG Guidelines, 2015. Collection method: not provided. Allele origin: germline. Inheritance: Autosomal recessive inheritance. Affected: yes.

PreventionGenetics, part of Exact Sciences
Classification: Benign. Review status: criteria provided, single submitter. Criteria: ACMG Guidelines, 2015. Collection method: clinical testing. Allele origin: germline.

NM_017433.5(MYO3A):c.4335A>G (p.Lys1445=)

Gene: MYO3A (myosin IIIA; plus strand). Cytogenetic location: 10p12.1.
Variant type: single nucleotide variant.
Coding change: c.4335A>G on transcript NM_017433.5 (MANE Select); coding-DNA position 4335, A replaced by G.
Protein change: p.Lys1445=; no amino-acid change (lysine 1445 retained).
Molecular consequence: synonymous variant.
Genome position (GRCh38, 1-based): chr10:26,176,742, A>G. VCF-style: chr10-26176742-A-G. GRCh37 (hg19) VCF-style: chr10-26465671-A-G.
Identifiers: ClinVar variation 164629 (VCV000164629.19), dbSNP rs34615182, ClinGen allele CA177350.
Genomic context (GRCh38, chr10:26,176,742, plus strand): 5'-CACATGACCTTCTTTTTAGATATCAAAGTTATCTGAAGAATATTTCATTCTGCAGAAAAA[A>G]TTGAATGAAATGATTTTGTCACAGCAACTGAAGTCACTTTATCTGGGTGTCTCGCACCAT-3'
Protein context (NP_059129.3, residues 1435-1455): LSEEYFILQK[Lys1445=]LNEMILSQQL